The following is an entry in ClinVar:

ClinVar aggregate classification (germline): Uncertain significance (1 of 4 stars; one submission).

Submission:

Labcorp Genetics (formerly Invitae), Labcorp
Classification: Uncertain significance. Last evaluated: 2025-12-17. Review status: criteria provided, single submitter. Criteria: Invitae Variant Classification Sherloc (09022015). Collection method: clinical testing. Allele origin: germline.
Comment: This sequence change replaces isoleucine, which is neutral and non-polar, with threonine, which is neutral and polar, at codon 63 of the SMARCB1 protein (p.Ile63Thr). This variant is not present in population databases (gnomAD no frequency). This variant has not been reported in the literature in individuals affected with SMARCB1-related conditions. An algorithm developed to predict the effect of missense changes on protein structure and function (PolyPhen-2) suggests that this variant is likely to be tolerated. In summary, the available evidence is currently insufficient to determine the role of this variant in disease. Therefore, it has been classified as a Variant of Uncertain Significance.

NM_003073.5(SMARCB1):c.188T>C (p.Ile63Thr)

Gene: SMARCB1 (SWI/SNF related BAF chromatin remodeling complex subunit B1; plus strand). Cytogenetic location: 22q11.23.
Variant type: single nucleotide variant.
Coding change: c.188T>C on transcript NM_003073.5 (MANE Select); coding-DNA position 188, T replaced by C.
Protein change: p.Ile63Thr; replaces isoleucine 63 with threonine.
Molecular consequence: missense variant.
Genome position (GRCh38, 1-based): chr22:23,791,850, T>C. VCF-style: chr22-23791850-T-C. GRCh37 (hg19) VCF-style: chr22-24134037-T-C.
Other names: c.188T>C, p.Ile63Thr (NM_001007468.3, NM_001317946.2, NM_001362877.2); short protein forms I63T.
Identifiers: ClinVar variation 4732961 (VCV004732961.1).
Genomic context (GRCh38, chr22:23,791,850, plus strand): 5'-TGTACAAGAGATACCCCTCACTCTGGAGGCGACTAGCCACTGTGGAAGAGAGGAAGAAAA[T>C]AGTTGCATCGTCACATGGTAAAAAAACAAAACCTAACACTAAGGGTGCGTCTTCACGAGG-3'
Protein context (NP_003064.2, residues 53-73): RLATVEERKK[Ile63Thr]VASSHGKKTK